The following is an entry in ClinVar:

ClinVar aggregate classification (germline): Likely benign. Review status: criteria provided, single submitter (1 of 4 stars). 2 submissions from 2 submitters: Likely benign (1). 1 of the submissions does not count toward it. Last evaluated 2024-03-25.

Conditions:
PCNT-related disorder. Also called: PCNT-related condition.

Allele frequency attached by ClinVar (database versions not stated): gnomAD exomes 0.00002 and 0.00004; ExAC 0.00003; ESP Exome Variant Server 0.00008; 1000 Genomes Project 30x 0.00016; 1000 Genomes Project 0.00020; gnomAD 0.00025 and 0.00029; TOPMed 0.00028.
gnomAD v4.1: 70 of 1,613,972 alleles (0.0043%); highest among the groups gnomAD compares: African/African-American, 0.088%; no homozygotes.

Submissions (2):

Labcorp Genetics (formerly Invitae), Labcorp
Classification: Likely benign. Last evaluated: 2024-03-25. Review status: criteria provided, single submitter. Criteria: Invitae Variant Classification Sherloc (09022015). Collection method: clinical testing. Allele origin: germline.

PreventionGenetics, part of Exact Sciences
Classification: Likely benign for PCNT-related condition. Last evaluated: 2022-03-10. Review status: no assertion criteria provided. Collection method: clinical testing. Allele origin: germline. Not counted in ClinVar's aggregate classification.
Comment: This variant is classified as likely benign based on ACMG/AMP sequence variant interpretation guidelines (Richards et al. 2015 PMID: 25741868, with internal and published modifications).

NM_006031.6(PCNT):c.4962+7G>A

Gene: PCNT (pericentrin; plus strand). Cytogenetic location: 21q22.3.
Variant type: single nucleotide variant.
Coding change: c.4962+7G>A on transcript NM_006031.6 (MANE Select); 7 bases into the intron after coding-DNA position 4962, G replaced by A.
Molecular consequence: intron variant.
Genome position (GRCh38, 1-based): chr21:46,401,728, G>A. VCF-style: chr21-46401728-G-A. GRCh37 (hg19) VCF-style: chr21-47821642-G-A.
Other names: c.4962+7G>A (NM_006031.5); c.4608+7G>A (NM_001315529.2).
Identifiers: ClinVar variation 1645359 (VCV001645359.10), dbSNP rs369388260, ClinGen allele CA10079830.